The following is an entry in ClinVar:

ClinVar aggregate classification (germline): Benign. Review status: criteria provided, multiple submitters, no conflicts (2 of 4 stars). 3 submissions from 3 submitters: Benign (3). Last evaluated 2018-06-16.

Allele frequency attached by ClinVar (database versions not stated): ESP Exome Variant Server 0.01089; gnomAD 0.01177 and 0.01271; gnomAD exomes 0.01232 and 0.01415; TOPMed 0.01232; ExAC 0.01475; 1000 Genomes Project 30x 0.01998; 1000 Genomes Project 0.02119.
gnomAD v4.1: 15,052 of 1,201,564 alleles (1.3%); highest among the groups gnomAD compares: South Asian, 5.4%; 92 homozygotes.

Submissions (3):

GeneDx
Classification: Benign. Last evaluated: 2018-06-16. Review status: criteria provided, single submitter. Criteria: GeneDx Variant Classification (06012015). Collection method: clinical testing. Allele origin: germline. Affected: yes.
Comment: This variant is considered likely benign or benign based on one or more of the following criteria: it is a conservative change, it occurs at a poorly conserved position in the protein, it is predicted to be benign by multiple in silico algorithms, and/or has population frequency not consistent with disease.

Eurofins Ntd Llc (ga)
Classification: Benign. Last evaluated: 2017-02-01. Review status: criteria provided, single submitter. Criteria: EGL Classification Definitions 2015. Collection method: clinical testing. Allele origin: germline. Observed: 1 variant allele, 1 hemizygote.

Breakthrough Genomics
Classification: Benign. Review status: criteria provided, single submitter. Criteria: ACMG Guidelines, 2015. Collection method: not provided. Allele origin: germline. Inheritance: X-linked inheritance. Affected: yes.

NM_000489.6(ATRX):c.4557+33G>A

Gene: ATRX (ATRX chromatin remodeler; minus strand). Cytogenetic location: Xq21.1.
Variant type: single nucleotide variant.
Coding change: c.4557+33G>A on transcript NM_000489.6 (MANE Select); 33 bases into the intron after coding-DNA position 4557, G replaced by A.
Molecular consequence: intron variant.
Genome position (GRCh38, 1-based): chrX:77,652,081, C>T on the plus strand (G>A on the coding strand, the complement: ATRX is on the minus strand). VCF-style: chrX-77652081-C-T. GRCh37 (hg19) VCF-style: chrX-76907571-C-T.
Other names: c.4443+33G>A (NM_138270.5).
Identifiers: ClinVar variation 496874 (VCV000496874.7), dbSNP rs5912716, ClinGen allele CA10457782.